The following is an entry in ClinVar:

ClinVar aggregate classification (germline): Uncertain significance (1 of 4 stars; one submission).

Submission:

Labcorp Genetics (formerly Invitae), Labcorp
Classification: Uncertain significance. Last evaluated: 2025-08-26. Review status: criteria provided, single submitter. Criteria: Invitae Variant Classification Sherloc (09022015). Collection method: clinical testing. Allele origin: germline.
Comment: This sequence change replaces proline, which is neutral and non-polar, with arginine, which is basic and polar, at codon 355 of the COL2A1 protein (p.Pro355Arg). This variant is not present in population databases (gnomAD no frequency). This variant has not been reported in the literature in individuals affected with COL2A1-related conditions. Invitae Evidence Modeling of protein sequence and biophysical properties (such as structural, functional, and spatial information, amino acid conservation, physicochemical variation, residue mobility, and thermodynamic stability) indicates that this missense variant is expected to disrupt COL2A1 protein function with a positive predictive value of 95%. In summary, the available evidence is currently insufficient to determine the role of this variant in disease. Therefore, it has been classified as a Variant of Uncertain Significance.

NM_001844.5(COL2A1):c.1064C>G (p.Pro355Arg)

Gene: COL2A1 (collagen type II alpha 1 chain; minus strand). Cytogenetic location: 12q13.11.
Variant type: single nucleotide variant.
Coding change: c.1064C>G on transcript NM_001844.5 (MANE Select); coding-DNA position 1064, C replaced by G.
Protein change: p.Pro355Arg; replaces proline 355 with arginine.
Molecular consequence: missense variant.
Genome position (GRCh38, 1-based): chr12:47,989,765, G>C on the plus strand (C>G on the coding strand, the complement: COL2A1 is on the minus strand). VCF-style: chr12-47989765-G-C. GRCh37 (hg19) VCF-style: chr12-48383548-G-C.
Other names: c.857C>G, p.Pro286Arg (NM_033150.3); short protein forms P286R, P355R.
Identifiers: ClinVar variation 4747073 (VCV004747073.1).
Genomic context (GRCh38, chr12:47,989,765, plus strand): 5'-CTTAACGGGACTTAAAGCACAGCAACAATGACCTGCTGAGGATGAAATGAACTTACCGGA[G>C]GCCCTGCGGGGCCTGGCTGACCATCGTTGCCTCGGGCACCCTGTGAGCAAGAAGGAAGTG-3'
Protein context (NP_001835.3, residues 345-365): GNDGQPGPAG[Pro355Arg]PGPVGPAGGP